The following is an entry in ClinVar:

ClinVar aggregate classification (germline): other (0 of 4 stars; one submission).

Conditions:
Familial colorectal cancer. Identifiers: MedGen CN280943, MONDO:0023113. Disease mechanism: loss of function.

Allele frequency attached by ClinVar (database versions not stated): TOPMed below 0.00001.

Submission:

Systems Biology Platform Zhejiang California International NanoSystems Institute
Classification: other for Familial colorectal cancer. Review status: no assertion criteria provided. Collection method: not provided. Allele origin: unknown.
ClinVar note: Converted during submission from cancer to other.

NM_000038.6(APC):c.730-2196C>G

Gene: APC (APC regulator of WNT signaling pathway; plus strand). Cytogenetic location: 5q22.2.
Variant type: single nucleotide variant.
Coding change: c.730-2196C>G on transcript NM_000038.6 (MANE Select); 2196 bases into the intron before coding-DNA position 730, C replaced by G.
Molecular consequence: intron variant.
Genome position (GRCh38, 1-based): chr5:112,799,083, C>G. VCF-style: chr5-112799083-C-G. GRCh37 (hg19) VCF-style: chr5-112134780-C-G.
Other names: c.730-2196C>G (NM_001354895.2, NM_001127510.3, NM_001354896.2 and 1 more transcripts); c.760-2196C>G (NM_001354897.2, NM_001354902.2); c.676-2196C>G (NM_001127511.3); c.655-2196C>G (NM_001354898.2, NM_001354904.2); c.-306-2196C>G (NM_001354906.2); c.646-2196C>G (NM_001354899.2); c.553-2196C>G (NM_001354900.2, NM_001354901.2, NM_001354905.2).
Identifiers: ClinVar variation 83029 (VCV000083029.2), dbSNP rs77721557, ClinGen allele CA013441.